The following is an entry in ClinVar:

NM_002336.3(LRP6):c.3394_3395del (p.Ser1132fs)

Gene: LRP6 (LDL receptor related protein 6; minus strand). Cytogenetic location: 12p13.2.
Variant type: Microsatellite.
Coding change: c.3394_3395del on transcript NM_002336.3 (MANE Select); coding-DNA positions 3394 to 3395, 2 bases deleted (TC; older notation c.3394_3395delTC).
Protein change: p.Ser1132fs; shifts the reading frame from serine 1132.
Molecular consequence: frameshift variant.
Genome position (GRCh38, 1-based): chr12:12,147,368-12,147,369, GA deleted on the plus strand (TC on the coding strand, the reverse complement: LRP6 is on the minus strand); deleting any 2 consecutive bases within chr12:12,147,368-12,147,373 gives the same sequence; the c. name uses the placement nearest the transcript's 3' end. VCF-style (leftmost placement, unchanged base first): chr12-12147367-TGA-T. GRCh37 (hg19) VCF-style: chr12-12300301-TGA-T.
Other names: short protein forms S1132fs.
Identifiers: ClinVar variation 1033503 (VCV001033503.1), dbSNP rs1950023882, ClinGen allele CA2016775384.
Genomic context (GRCh38, chr12:12,147,367, plus strand): 5'-CAATAGATGAATCATCTTAAAAACTCAAATTAAAATAAGGAAACATATTTCTTGGGTACC[TGA>T]GAGATCACTGCTTTCAATTCGCCGGAGATCTGAATCAGCCCAAAAGAGCTTGCCCAGCCT-3'

ClinVar aggregate classification (germline): Pathogenic (1 of 4 stars; one submission).

Conditions:
Tooth agenesis, selective, 7 (STHAG7). Identifiers: Orphanet 99798, MedGen C4225231, MONDO:0014749, OMIM 616724.

Submission:

Baylor Genetics
Classification: Pathogenic for Tooth agenesis, selective, 7. Last evaluated: 2018-10-05. Review status: criteria provided, single submitter. Criteria: ACMG Guidelines, 2015. Collection method: clinical testing. Allele origin: paternal. Affected: yes.
Comment: This variant was determined to be pathogenic according to ACMG Guidelines, 2015 [PMID:25741868].